The following is an entry in ClinVar:

NM_002972.4(SBF1):c.5226G>A (p.Gly1742=)

Gene: SBF1 (SET binding factor 1; minus strand). Cytogenetic location: 22q13.33.
Variant type: single nucleotide variant.
Coding change: c.5226G>A on transcript NM_002972.4 (MANE Select); coding-DNA position 5226, G replaced by A.
Protein change: p.Gly1742=; no amino-acid change (glycine 1742 retained).
Molecular consequence: synonymous variant.
Genome position (GRCh38, 1-based): chr22:50,448,370, C>T on the plus strand (G>A on the coding strand, the complement: SBF1 is on the minus strand). VCF-style: chr22-50448370-C-T. GRCh37 (hg19) VCF-style: chr22-50886799-C-T.
Other names: c.5151G>A, p.Gly1717= (NM_001365819.1); c.5229G>A, p.Gly1743= (NM_001410794.1); c.5148G>A, p.Gly1716= (NM_001410795.1).
Identifiers: ClinVar variation 4822793 (VCV004822793.4).

ClinVar aggregate classification (germline): Likely benign (1 of 4 stars; one submission).

Submission:

CeGaT Center for Human Genetics Tuebingen
Classification: Likely benign. Last evaluated: 2026-03-01. Review status: criteria provided, single submitter. Criteria: CeGaT Center For Human Genetics Tuebingen Variant Classification Criteria Version 2. Collection method: clinical testing. Allele origin: germline. Affected: yes. Observed: 1 variant allele.
Comment: SBF1: PM2:Supporting, BP4, BP7